The following continues an entry in ClinVar:

NM_006261.5(PROP1):c.301_302del (p.Leu102fs)

Gene: PROP1. ClinVar aggregate classification (germline): Pathogenic/Likely pathogenic. Pathogenic (21); Likely pathogenic (1).

Submissions 16 to 25 of 25:

Pittsburgh Clinical Genomics Laboratory, University of Pittsburgh Medical Center
Classification: Pathogenic for Pituitary hormone deficiency, combined, 2. Last evaluated: 2022-05-04. Review status: criteria provided, single submitter. Criteria: ACMG Guidelines, 2015. Collection method: clinical testing. Allele origin: germline. Inheritance: Autosomal recessive inheritance. Affected: yes.
Comment: This sequence variant is a two nucleotide deletion (delAG) at position c.301_302 of the coding sequence in exon 2 of 3 in the PROP1 gene. The c.301_302del allele has multiple desigtions and may be referred to as A301G302, 296delAG, or GA296 in the literature. This deletion results a premature termition sigl 8 codons downstream of the frameshift introduced at codon 102. While this variant is not expected to undergo nonsense mediated decay, a premature termition at this position would elimite the PROP1 protein's D binding and transcriptiol activation domains which are crucial to this protein's role in regulating the growth of the pituitary gland (PMID: 15591534). This is a previously reported variant (ClinVar) and is one of the most common variants associated with combined pituitary hormone deficiency (PMID: 31090814, 27828722). This variant has been observed in both the homozygous and compound heterozygous states in numerous individuals with combined pituitary hormone deficiency (PMID: 9745452, 11081182, 10084575, 10323394, 9462743) and has been observed to co-segregate with combined pituitary hormone deficiency in multiple individuals across a six-generation pedigree (PMID: 10634415). This variant is observed in control population datasets (gnomAD database, 51 of 282,522 alleles, 0.02%). A functiol alysis of the protein generated by this variant has confirmed that D binding and transactivation is significantly reduced by the variant relative to the wildtype protein (PMID: 9462743). Given this information, we consider this a pathogenic variant. ACMG Criteria: PM3, PP1, PS3, PVS1

Institute of Human Genetics, University of Leipzig Medical Center
Classification: Likely pathogenic for Pituitary hormone deficiency, combined, 2. Last evaluated: 2020-10-08. Review status: criteria provided, single submitter. Criteria: ACMG Guidelines, 2015. Collection method: clinical testing. Allele origin: unknown. Affected: yes.
Comment: This variant was identified as compound heterozygous with NM_006261.4:c.358C>T.

Laan Lab, Human Genetics Research Group, University of Tartu
Classification: Pathogenic for 46,XY partial gonadal dysgenesis. Last evaluated: 2020-08-01. Review status: criteria provided, single submitter. Criteria: ACMG Guidelines, 2015. Collection method: research. Allele origin: maternal. Affected: yes. Observed: 1 heterozygote.

Myriad Genetics, Inc.
Classification: Pathogenic for Pituitary hormone deficiency, combined, 2. Last evaluated: 2019-11-12. Review status: criteria provided, single submitter. Criteria: Myriad Women's Health Autosomal Recessive and X-Linked Classification Criteria (2019). Collection method: clinical testing. Allele origin: unknown.
Comment: NM_006261.4(PROP1):c.301_302delAG(aka L102Cfs*8) is classified as pathogenic in the context of combined pituitary hormone deficiency, PROP1 related. Sources cited for classification include the following: PMID 9462743 and 15126542. Classification of NM_006261.4(PROP1):c.301_302delAG(aka L102Cfs*8) is based on the following criteria: The variant causes a premature termination codon that is expected to be targeted by nonsense-mediated mRNA decay and is reported in individuals with the relevant phenotype. Please note: this variant was assessed in the context of healthy population screening.

Illumina Laboratory Services, Illumina
Classification: Pathogenic for Pituitary hormone deficiency, combined, 2. Last evaluated: 2017-09-13. Review status: criteria provided, single submitter. Criteria: ICSL Variant Classification Criteria 09 May 2019. Collection method: clinical testing. Allele origin: germline.
Comment: The PROP1 c.301_302delAG (p.Leu102CysfsTer8) variant results in a frameshift and is predicted to result in premature termination of the protein and loss of the DNA-binding homeodomain and C-terminal transactivation domain (Wu et al. 1998). Across a selection of the available literature, the p.Leu102CysfsTer8 variant has been reported in a total of 280 individuals with combined pituitary hormone deficiency, including 213 homozygotes, 64 compound heterozygotes, and three heterozygotes in whom a second variant was not been identified (Wu et al. 1998; Cogan et al. 1998; Fofanova et al. 1998; Deladoey et al. 1999; Mendonca et al. 1999; Pernasetti et al. 2000; Riepe et al. 2001; Lee et al. 2004; Avbelj Stefanija et al. 2015; Lazea et al. 2015; Dusatkova et al. 2016). The p.Leu102CysfsTer8 variant was shown to segregate with disease in a four-generation family (Pernasetti et al. 2000). The variant was absent from 193 controls but is reported at a frequency of 0.00109 in the European American population of the Exome Sequencing Project. Based on the collective evidence and the potential impact of frameshift variants, the p.Leu102CysfsTer8 variant is classified as pathogenic for combined pituitary hormone deficiency. This variant was observed by ICSL as part of a predisposition screen in an ostensibly healthy population.

Eurofins Ntd Llc (ga)
Classification: Pathogenic. Last evaluated: 2017-08-28. Review status: criteria provided, single submitter. Criteria: EGL Classification Definitions 2015. Collection method: clinical testing. Allele origin: germline. Observed: 1 variant allele, 1 heterozygote.

Athena Diagnostics
Classification: Pathogenic. Last evaluated: 2012-12-11. Review status: criteria provided, single submitter. Criteria: Athena Diagnostics Criteria. Collection method: clinical testing. Allele origin: germline.

Clinical Genetics Laboratory, University Hospital Schleswig-Holstein
Classification: Pathogenic for Pituitary hormone deficiency, combined, 2. Last evaluated: 2022-06-02. Review status: no assertion criteria provided. Collection method: clinical testing. Allele origin: germline. Affected: yes. Not counted in ClinVar's aggregate classification.

OMIM
Classification: Pathogenic for PITUITARY HORMONE DEFICIENCY, COMBINED, 2. Last evaluated: 2004-10-01. Review status: no assertion criteria provided. Collection method: literature only. Allele origin: germline. Not counted in ClinVar's aggregate classification.

GeneReviews
No classification provided. Condition: Pituitary hormone deficiency, combined, 2. Review status: no classification provided. Collection method: literature only. Allele origin: germline. Not counted in ClinVar's aggregate classification.
Comment: Common variant in Europe & Latin America [Dusatkova et al 2016]; founder variant in Lithuania [Navardauskaite et al 2014] & Hutterite population [Wu et al 1998]; Impaired gonadotropic function occurs in all individuals with the most common PROP1 variant, c.301_302delAG [Madeira et al 2017].

Literature cited by the submitters: PubMed 9462743 (cited by 9 submitters); PubMed 11081182 (cited by 4 submitters); PubMed 16735499 (cited by Labcorp Genetics (formerly Invitae), Labcorp and Athena Diagnostics); PubMed 17162714 (cited by Labcorp Genetics (formerly Invitae), Labcorp and Athena Diagnostics); PubMed 26111865 (cited by 3 submitters); PubMed 28734020 (cited by Labcorp Genetics (formerly Invitae), Labcorp); PubMed 25581745 (cited by 3 submitters); PubMed 9745452 (cited by 5 submitters); PubMed 10323394 (cited by 4 submitters); PubMed 33098107 (cited by Women's Health and Genetics/Laboratory Corporation of America, LabCorp); PubMed 10084575 (cited by 4 submitters); PubMed 15591534 (cited by Pittsburgh Clinical Genomics Laboratory, University of Pittsburgh Medical Center); PubMed 31090814 (cited by Pittsburgh Clinical Genomics Laboratory, University of Pittsburgh Medical Center); PubMed 27828722 (cited by Pittsburgh Clinical Genomics Laboratory, University of Pittsburgh Medical Center); PubMed 10634415 (cited by 4 submitters); PubMed 33296094 (cited by Laan Lab, Human Genetics Research Group, University of Tartu); PubMed 15126542 (cited by Myriad Genetics, Inc.); PubMed 26059845 (cited by Illumina Laboratory Services, Illumina and GeneReviews); PubMed 11549674 (cited by Illumina Laboratory Services, Illumina and OMIM); PubMed 15472175 (cited by Illumina Laboratory Services, Illumina and OMIM); PubMed 11022176 (cited by Athena Diagnostics); PubMed 12414875 (cited by Athena Diagnostics); PubMed 16703408 (cited by Athena Diagnostics); PubMed 16984240 (cited by Athena Diagnostics); PubMed 17526936 (cited by Athena Diagnostics); PubMed 18157385 (cited by Athena Diagnostics); PubMed 6046325 (cited by OMIM); Mosely, C. T., Phillips, J. A., III, Rimoin, D. L. Genetic disorders of the pituitary gland. In: Rimoin, D. L., Connor, J. M., Pyeritz, R. E., Korf, B. R. (eds.) Emery and Rimoin's Principles and Practices of Medical Genetics. (4th ed.) London: Churchill Livingston 2002. P. 2153. Note: Fig. 80.3. (cited by OMIM); PubMed 24178788 (cited by GeneReviews); NCBI Bookshelf NBK1347 (cited by GeneReviews).